The following is an entry in ClinVar:

ClinVar aggregate classification (germline): Benign (1 of 4 stars; one submission).

Conditions:
Lynch syndrome 5 (LYNCH5). Also called: Colorectal cancer, hereditary nonpolyposis, type 5; Hereditary non-polyposis colorectal cancer, type 5. Identifiers: Orphanet 144, MedGen C1833477, MONDO:0013710, OMIM 614350. Disease mechanism: loss of function.

Submission:

Myriad Genetics, Inc.
Classification: Benign for Lynch syndrome 5. Last evaluated: 2024-12-23. Review status: criteria provided, single submitter. Criteria: Myriad Autosomal Dominant, Autosomal Recessive and X-Linked Classification Criteria (2023). Collection method: clinical testing. Allele origin: unknown.
Comment: This variant is considered benign. This variant is a silent/synonymous amino acid change and it is not expected to impact splicing.

NM_000179.3(MSH6):c.1266T>C (p.Asp422=)

Gene: MSH6 (mutS homolog 6; plus strand). Cytogenetic location: 2p16.3.
Variant type: single nucleotide variant.
Coding change: c.1266T>C on transcript NM_000179.3 (MANE Select); coding-DNA position 1266, T replaced by C.
Protein change: p.Asp422=; no amino-acid change (aspartic acid 422 retained).
Molecular consequence: synonymous variant. On other transcripts: non-coding transcript variant (4), intron variant (1).
Genome position (GRCh38, 1-based): chr2:47,799,249, T>C. VCF-style: chr2-47799249-T-C. GRCh37 (hg19) VCF-style: chr2-48026388-T-C.
Other names: c.876T>C, p.Asp292= (NM_001281492.2); c.360T>C, p.Asp120= (NM_001281493.2, NM_001281494.2, NM_001406811.1 and 6 more transcripts); c.1362T>C, p.Asp454= (NM_001406795.1, NM_001406802.1); c.1266T>C, p.Asp422= (NM_001406796.1, NM_001406798.1, NM_001406800.1 and 4 more transcripts); c.969T>C, p.Asp323= (NM_001406797.1, NM_001406801.1, NM_001406805.1 and 10 more transcripts); c.741T>C, p.Asp247= (NM_001406799.1, NM_001406806.1, NM_001406807.1); c.1188T>C, p.Asp396= (NM_001406804.1); c.1272T>C, p.Asp424= (NM_001406813.1); and 2 more.
Identifiers: ClinVar variation 3903616 (VCV003903616.1).